The following is an entry in ClinVar:

NM_000321.3(RB1):c.1499-1G>T

Gene: RB1 (RB transcriptional corepressor 1; plus strand). Cytogenetic location: 13q14.2.
Variant type: single nucleotide variant.
Coding change: c.1499-1G>T on transcript NM_000321.3 (MANE Select); the canonical splice acceptor site of the intron before coding-DNA position 1499, G replaced by T.
Molecular consequence: splice acceptor variant.
Genome position (GRCh38, 1-based): chr13:48,381,246, G>T. VCF-style: chr13-48381246-G-T. GRCh37 (hg19) VCF-style: chr13-48955382-G-T.
Other names: c.1499-1G>T (NM_001407165.1, NM_001407166.1).
Identifiers: ClinVar variation 1994234 (VCV001994234.4), dbSNP rs1485450031, ClinGen allele CA388163255.

ClinVar aggregate classification (germline): Pathogenic (1 of 4 stars; one submission).

Conditions:
Retinoblastoma (RB1). Also called: RETINOBLASTOMA, SOMATIC. Identifiers: Orphanet 790, MedGen C0035335, MeSH D012175, MONDO:0008380, OMIM 180200, HP:0009919. Disease mechanism: loss of function. Inheritance: Both sporadic and heritable forms are tested..

Submission:

Labcorp Genetics (formerly Invitae), Labcorp
Classification: Pathogenic for Retinoblastoma. Last evaluated: 2022-05-14. Review status: criteria provided, single submitter. Criteria: Invitae Variant Classification Sherloc (09022015). Collection method: clinical testing. Allele origin: germline.
Comment: For these reasons, this variant has been classified as Pathogenic. Algorithms developed to predict the effect of sequence changes on RNA splicing suggest that this variant may disrupt the consensus splice site. Disruption of this splice site has been observed in individuals with bilateral retinoblastoma (PMID: 11480772; Invitae). This variant is not present in population databases (gnomAD no frequency). This sequence change affects an acceptor splice site in intron 16 of the RB1 gene. It is expected to disrupt RNA splicing. Variants that disrupt the donor or acceptor splice site typically lead to a loss of protein function (PMID: 16199547), and loss-of-function variants in RB1 are known to be pathogenic (PMID: 17096365).

Literature cited by the submitters: PubMed 11480772; PubMed 16199547; PubMed 17096365.